The following is an entry in ClinVar:

ClinVar aggregate classification (germline): Uncertain significance (1 of 4 stars; one submission).

Allele frequency attached by ClinVar (database versions not stated): gnomAD 0.00001 and 0.00003; gnomAD exomes 0.00001 and 0.00008; ExAC 0.00007; TOPMed 0.00009; 1000 Genomes Project 30x 0.00016; 1000 Genomes Project 0.00020.
gnomAD v4.1: 29 of 1,613,878 alleles (0.0018%); highest among the groups gnomAD compares: East Asian, 0.04%; no homozygotes.

Submission:

Labcorp Genetics (formerly Invitae), Labcorp
Classification: Uncertain significance. Last evaluated: 2021-06-19. Review status: criteria provided, single submitter. Criteria: Invitae Variant Classification Sherloc (09022015). Collection method: clinical testing. Allele origin: germline.
Comment: This sequence change falls in intron 12 of the DGAT1 gene. It does not directly change the encoded amino acid sequence of the DGAT1 protein. It affects a nucleotide within the consensus splice site of the intron. This variant is present in population databases (rs374940423, ExAC 0.09%). This variant has not been reported in the literature in individuals with DGAT1-related conditions. Nucleotide substitutions within the consensus splice site are a relatively common cause of aberrant splicing (PMID: 17576681, 9536098). Algorithms developed to predict the effect of sequence changes on RNA splicing suggest that this variant may disrupt the consensus splice site, but this prediction has not been confirmed by published transcriptional studies. In summary, the available evidence is currently insufficient to determine the role of this variant in disease. Therefore, it has been classified as a Variant of Uncertain Significance.

Literature cited by the submitters: PubMed 17576681; PubMed 9536098.

NM_012079.6(DGAT1):c.981+3G>T

Gene: DGAT1 (diacylglycerol O-acyltransferase 1; minus strand). Cytogenetic location: 8q24.3.
Variant type: single nucleotide variant.
Coding change: c.981+3G>T on transcript NM_012079.6 (MANE Select); 3 bases into the intron after coding-DNA position 981, G replaced by T.
Molecular consequence: intron variant.
Genome position (GRCh38, 1-based): chr8:144,317,541, C>A on the plus strand (G>T on the coding strand, the complement: DGAT1 is on the minus strand). VCF-style: chr8-144317541-C-A. GRCh37 (hg19) VCF-style: chr8-145541204-C-A.
Identifiers: ClinVar variation 1430141 (VCV001430141.3), dbSNP rs374940423, ClinGen allele CA4936735.